The following is an entry in ClinVar:

NM_018718.3(CEP41):c.641A>T (p.Tyr214Phe)

Gene: CEP41 (centrosomal protein 41; minus strand). Cytogenetic location: 7q32.2.
Variant type: single nucleotide variant.
Coding change: c.641A>T on transcript NM_018718.3 (MANE Select); coding-DNA position 641, A replaced by T.
Protein change: p.Tyr214Phe; replaces tyrosine 214 with phenylalanine.
Molecular consequence: missense variant. On other transcripts: non-coding transcript variant (1).
Genome position (GRCh38, 1-based): chr7:130,401,882, T>A on the plus strand (A>T on the coding strand, the complement: CEP41 is on the minus strand). VCF-style: chr7-130401882-T-A. GRCh37 (hg19) VCF-style: chr7-130041723-T-A.
Other names: c.641A>T, p.Tyr214Phe (NM_001257158.2); c.593A>T, p.Tyr198Phe (NM_001257159.2); short protein forms Y198F, Y214F.
Identifiers: ClinVar variation 1016847 (VCV001016847.8), dbSNP rs1796853863, ClinGen allele CA369288187.

ClinVar aggregate classification (germline): Uncertain significance (1 of 4 stars; one submission).

Conditions:
Joubert syndrome 15 (JBTS15). Identifiers: Orphanet 475, MedGen C3280897, MONDO:0013763, OMIM 614464.

Submission:

Labcorp Genetics (formerly Invitae), Labcorp
Classification: Uncertain significance for Joubert syndrome 15. Last evaluated: 2022-06-13. Review status: criteria provided, single submitter. Criteria: Invitae Variant Classification Sherloc (09022015). Collection method: clinical testing. Allele origin: germline.
Comment: ClinVar contains an entry for this variant (Variation ID: 1016847). In summary, the available evidence is currently insufficient to determine the role of this variant in disease. Therefore, it has been classified as a Variant of Uncertain Significance. Algorithms developed to predict the effect of sequence changes on RNA splicing suggest that this variant may disrupt the consensus splice site. Algorithms developed to predict the effect of missense changes on protein structure and function are either unavailable or do not agree on the potential impact of this missense change (SIFT: "Deleterious"; PolyPhen-2: "Benign"; Align-GVGD: "Class C15"). This variant has not been reported in the literature in individuals affected with CEP41-related conditions. This variant is not present in population databases (gnomAD no frequency). This sequence change replaces tyrosine, which is neutral and polar, with phenylalanine, which is neutral and non-polar, at codon 214 of the CEP41 protein (p.Tyr214Phe).